The following is an entry in ClinVar:

ClinVar aggregate classification (germline): Benign. Review status: criteria provided, multiple submitters, no conflicts (2 of 4 stars). 8 submissions from 8 submitters: Benign (6). 2 of the submissions do not count toward it. Last evaluated 2026-01-31.

Conditions:
Left ventricular noncompaction 8 (LVNC8). Identifiers: Orphanet 154, Orphanet 54260, MedGen C3809288, MONDO:0014152, OMIM 615373.

Allele frequency attached by ClinVar (database versions not stated): gnomAD exomes 0.00078 and 0.00217; ExAC 0.00269; ESP Exome Variant Server 0.00812; gnomAD 0.00840 and 0.00898; TOPMed 0.00971; 1000 Genomes Project 0.00998; 1000 Genomes Project 30x 0.01109.
gnomAD v4.1: 2,454 of 1,612,954 alleles (0.15%); highest among the groups gnomAD compares: African/African-American, 2.9%; 29 homozygotes.

Submissions (8):

Labcorp Genetics (formerly Invitae), Labcorp
Classification: Benign for Left ventricular noncompaction 8. Last evaluated: 2026-01-31. Review status: criteria provided, single submitter. Criteria: Invitae Variant Classification Sherloc (09022015). Collection method: clinical testing. Allele origin: germline.

Mayo Clinic Laboratories, Mayo Clinic
Classification: Benign. Last evaluated: 2024-09-03. Review status: criteria provided, single submitter. Criteria: ACMG Guidelines, 2015. Collection method: clinical testing. Allele origin: germline. Observed: 6 variant alleles.
Comment: BS1, BS2, BP4, BP7

Women's Health and Genetics/Laboratory Corporation of America, LabCorp
Classification: Benign. Last evaluated: 2023-08-19. Review status: criteria provided, single submitter. Criteria: LabCorp Variant Classification Summary - May 2015. Collection method: clinical testing. Allele origin: germline.

ARUP Laboratories, Molecular Genetics and Genomics, ARUP Laboratories
Classification: Benign. Last evaluated: 2021-05-22. Review status: criteria provided, single submitter. Criteria: ARUP Molecular Germline Variant Investigation Process 2021. Collection method: clinical testing. Allele origin: germline.

GeneDx
Classification: Benign. Last evaluated: 2016-12-05. Review status: criteria provided, single submitter. Criteria: GeneDx Variant Classification (06012015). Collection method: clinical testing. Allele origin: germline. Affected: yes.
Comment: This variant is considered likely benign or benign based on one or more of the following criteria: it is a conservative change, it occurs at a poorly conserved position in the protein, it is predicted to be benign by multiple in silico algorithms, and/or has population frequency not consistent with disease.

Laboratory for Molecular Medicine, Mass General Brigham Personalized Medicine
Classification: Benign. Last evaluated: 2014-11-24. Review status: criteria provided, single submitter. Criteria: LMM Criteria. Collection method: clinical testing. Allele origin: germline. Observed: 8 variant alleles.
Comment: 3109+10G>A in intron 13 of PRDM16: This variant is not expected to have clinical significance because it is not located within the conserved splice consensus se quence. It has been identified in 2.4% (100/4112) of African American chromosome s from a broad population by the NHLBI Exome Sequencing Project (dbSNP rs7549401).

Clinical Genetics DNA and cytogenetics Diagnostics Lab, Erasmus MC, Erasmus Medical Center
Classification: Benign. Review status: no assertion criteria provided. Collection method: clinical testing. Allele origin: germline. Affected: yes. Study: VKGL Data-share Consensus. Not counted in ClinVar's aggregate classification.

Clinical Genetics, Academic Medical Center
Classification: Benign. Review status: no assertion criteria provided. Collection method: clinical testing. Allele origin: germline. Affected: yes. Study: VKGL Data-share Consensus. Not counted in ClinVar's aggregate classification.

NM_022114.4(PRDM16):c.3109+10G>A

Gene: PRDM16 (PR/SET domain 16; plus strand). Cytogenetic location: 1p36.32.
Variant type: single nucleotide variant.
Coding change: c.3109+10G>A on transcript NM_022114.4 (MANE Select); 10 bases into the intron after coding-DNA position 3109, G replaced by A.
Molecular consequence: intron variant.
Genome position (GRCh38, 1-based): chr1:3,425,760, G>A. VCF-style: chr1-3425760-G-A. GRCh37 (hg19) VCF-style: chr1-3342324-G-A.
Other names: p.?; c.3109+10G>A (NM_199454.3).
Identifiers: ClinVar variation 227033 (VCV000227033.27), dbSNP rs7549401, ClinGen allele CA544710.
Genomic context (GRCh38, chr1:3,425,760, plus strand): 5'-AGACCAACCTGGACCGGCACCTCAAGAAGCACGAGCACGAGAACGCACCAGGTGGGCCAC[G>A]CGGGGTGGGGCAGCCCCCAGAGCACCCACACGGGCAGGCCCCACAGAGGGGGAGGGGGAA-3'